The following is an entry in ClinVar:

ClinVar aggregate classification (germline): Uncertain significance (1 of 4 stars; one submission).

Conditions:
Brugada syndrome. Also called: Sudden unexplained nocturnal death syndrome; Sudden unexpected nocturnal death syndrome; Sudden Unexplained Death Syndrome; Sudden Unexplained Nocturnal Death Syndrome (SUNDS). Identifiers: Orphanet 130, MedGen C1142166, MONDO:0015263.

Submission:

Labcorp Genetics (formerly Invitae), Labcorp
Classification: Uncertain significance for Brugada syndrome. Last evaluated: 2024-11-21. Review status: criteria provided, single submitter. Criteria: Invitae Variant Classification Sherloc (09022015). Collection method: clinical testing. Allele origin: germline.
Comment: This sequence change falls in intron 3 of the SCN10A gene. It does not directly change the encoded amino acid sequence of the SCN10A protein. It affects a nucleotide within the consensus splice site. This variant is not present in population databases (gnomAD no frequency). This variant has not been reported in the literature in individuals affected with SCN10A-related conditions. Variants that disrupt the consensus splice site are a relatively common cause of aberrant splicing (PMID: 17576681, 9536098). Algorithms developed to predict the effect of sequence changes on RNA splicing suggest that this variant is not likely to affect RNA splicing. In summary, the available evidence is currently insufficient to determine the role of this variant in disease. Therefore, it has been classified as a Variant of Uncertain Significance.

Literature cited by the submitters: PubMed 17576681; PubMed 9536098.

NM_006514.4(SCN10A):c.470+3G>C

Gene: SCN10A (sodium voltage-gated channel alpha subunit 10; minus strand). Cytogenetic location: 3p22.2.
Variant type: single nucleotide variant.
Coding change: c.470+3G>C on transcript NM_006514.4 (MANE Select); 3 bases into the intron after coding-DNA position 470, G replaced by C.
Molecular consequence: intron variant.
Genome position (GRCh38, 1-based): chr3:38,788,953, C>G on the plus strand (G>C on the coding strand, the complement: SCN10A is on the minus strand). VCF-style: chr3-38788953-C-G. GRCh37 (hg19) VCF-style: chr3-38830444-C-G.
Other names: c.470+3G>C (NM_001293307.2, NM_001293306.2).
Identifiers: ClinVar variation 3724873 (VCV003724873.2).